The following is an entry in ClinVar:

NM_000535.7(PMS2):c.2345A>G (p.Asp782Gly)

Gene: PMS2 (PMS1 homolog 2, mismatch repair system component; minus strand). Cytogenetic location: 7p22.1.
Variant type: single nucleotide variant.
Coding change: c.2345A>G on transcript NM_000535.7 (MANE Select); coding-DNA position 2345, A replaced by G.
Protein change: p.Asp782Gly; replaces aspartic acid 782 with glycine.
Molecular consequence: missense variant. On other transcripts: non-coding transcript variant (1).
Genome position (GRCh38, 1-based): chr7:5,977,688, T>C on the plus strand (A>G on the coding strand, the complement: PMS2 is on the minus strand). VCF-style: chr7-5977688-T-C. GRCh37 (hg19) VCF-style: chr7-6017319-T-C.
Other names: c.1940A>G, p.Asp647Gly (NM_001322003.2, NM_001322004.2, NM_001322005.2); c.2189A>G, p.Asp730Gly (NM_001322006.2); c.2027A>G, p.Asp676Gly (NM_001322007.2, NM_001322008.2); c.1973A>G, p.Asp658Gly (NM_001322009.2); c.1784A>G, p.Asp595Gly (NM_001322010.2); c.1412A>G, p.Asp471Gly (NM_001322011.2, NM_001322012.2); c.1772A>G, p.Asp591Gly (NM_001322013.2); c.2378A>G, p.Asp793Gly (NM_001322014.2); and 1 more; short protein forms D591G, D658G, D730G, D647G, D676G, D782G, D471G, D595G.
Identifiers: ClinVar variation 969752 (VCV000969752.12), dbSNP rs745500014, ClinGen allele CA047740.

ClinVar aggregate classification (germline): Uncertain significance. Review status: criteria provided, multiple submitters, no conflicts (2 of 4 stars). 4 submissions from 4 submitters: Uncertain significance (4). Last evaluated 2026-01-01.

Conditions:
Hereditary nonpolyposis colorectal neoplasms. Identifiers: MedGen C0009405, MeSH D003123.
Hereditary cancer-predisposing syndrome. Also called: Neoplastic Syndromes, Hereditary; Hereditary Cancer Syndrome; Tumor predisposition; Hereditary neoplastic syndrome. Identifiers: Orphanet 140162, MedGen C0027672, MeSH D009386, MONDO:0015356.
Lynch syndrome 4 (LYNCH4). Also called: Hereditary non-polyposis colorectal cancer, type 4; Colorectal cancer, hereditary nonpolyposis, type 4. Identifiers: Orphanet 144, MedGen C1838333, MONDO:0013699, OMIM 614337. Disease mechanism: loss of function.

Allele frequency attached by ClinVar (database versions not stated): ExAC 0.00001; gnomAD 0.00001.

Submissions (4):

Labcorp Genetics (formerly Invitae), Labcorp
Classification: Uncertain significance for Hereditary nonpolyposis colorectal neoplasms. Last evaluated: 2026-01-01. Review status: criteria provided, single submitter. Criteria: Invitae Variant Classification Sherloc (09022015). Collection method: clinical testing. Allele origin: germline.
Comment: This sequence change replaces aspartic acid, which is acidic and polar, with glycine, which is neutral and non-polar, at codon 782 of the PMS2 protein (p.Asp782Gly). The frequency data for this variant in the population databases (gnomAD) is considered unreliable due to the presence of homologous sequence, such as pseudogenes or paralogs, in the genome. This variant has not been reported in the literature in individuals affected with PMS2-related conditions. ClinVar contains an entry for this variant (Variation ID: 969752). Invitae Evidence Modeling of protein sequence and biophysical properties (such as structural, functional, and spatial information, amino acid conservation, physicochemical variation, residue mobility, and thermodynamic stability) indicates that this missense variant is expected to disrupt PMS2 protein function with a positive predictive value of 80%. In summary, the available evidence is currently insufficient to determine the role of this variant in disease. Therefore, it has been classified as a Variant of Uncertain Significance.

Color Diagnostics, LLC DBA Color Health
Classification: Uncertain significance for Hereditary cancer-predisposing syndrome. Last evaluated: 2025-05-13. Review status: criteria provided, single submitter. Criteria: ACMG Guidelines, 2015. Collection method: clinical testing. Allele origin: germline.
Comment: This missense variant replaces aspartic acid with glycine at codon 782 of the PMS2 protein. Computational prediction suggests that this variant may have deleterious impact on protein structure and function. To our knowledge, functional studies have not been reported for this variant. This variant has not been reported in individuals affected with PMS2-related hereditary disorders in the literature. This variant has not been identified in the general population by the Genome Aggregation Database (gnomAD). The available evidence is insufficient to determine the role of this variant in disease conclusively. Therefore, this variant is classified as a Variant of Uncertain Significance.

Ambry Genetics
Classification: Uncertain significance for Hereditary cancer-predisposing syndrome. Last evaluated: 2024-05-14. Review status: criteria provided, single submitter. Criteria: Ambry Variant Classification Scheme 2023. Collection method: clinical testing. Allele origin: germline.
Comment: The p.D782G variant (also known as c.2345A>G), located in coding exon 14 of the PMS2 gene, results from an A to G substitution at nucleotide position 2345. The aspartic acid at codon 782 is replaced by glycine, an amino acid with similar properties. This amino acid position is highly conserved in available vertebrate species. In addition, this alteration is predicted to be deleterious by in silico analysis. Based on the available evidence, the clinical significance of this variant remains unclear.

Baylor Genetics
Classification: Uncertain significance for Lynch syndrome 4. Last evaluated: 2024-01-02. Review status: criteria provided, single submitter. Criteria: ACMG Guidelines, 2015. Collection method: clinical testing. Allele origin: unknown.